The following is an entry in ClinVar:

NM_005559.4(LAMA1):c.680G>T (p.Arg227Leu)

Gene: LAMA1 (laminin subunit alpha 1; minus strand). Cytogenetic location: 18p11.31.
Variant type: single nucleotide variant.
Coding change: c.680G>T on transcript NM_005559.4 (MANE Select); coding-DNA position 680, G replaced by T.
Protein change: p.Arg227Leu; replaces arginine 227 with leucine.
Molecular consequence: missense variant.
Genome position (GRCh38, 1-based): chr18:7,049,166, C>A on the plus strand (G>T on the coding strand, the complement: LAMA1 is on the minus strand). VCF-style: chr18-7049166-C-A. GRCh37 (hg19) VCF-style: chr18-7049165-C-A.
Other names: short protein forms R227L.
Identifiers: ClinVar variation 1916134 (VCV001916134.5), dbSNP rs772486258, ClinGen allele CA401841027.
Genomic context (GRCh38, chr18:7,049,166, plus strand): 5'-TTAGGTTCCCGGTGGCTAAGGGTCATGAGATCTGCATTGAGCGTTCTAATGCGTTGCAAG[C>A]GAAGGCGAATATATCGTGCAGAAGTGAATTCCAACAACTTGGGTGAAAGATCGTCAGCGC-3'
Protein context (NP_005550.2, residues 217-237): EFTSARYIRL[Arg227Leu]LQRIRTLNAD

ClinVar aggregate classification (germline): Uncertain significance (1 of 4 stars; one submission).

gnomAD v4.1: 4 of 1,613,838 alleles (0.00025%); highest among the groups gnomAD compares: Non-Finnish European, 0.00034%; no homozygotes.

Submission:

Labcorp Genetics (formerly Invitae), Labcorp
Classification: Uncertain significance. Last evaluated: 2024-02-24. Review status: criteria provided, single submitter. Criteria: Invitae Variant Classification Sherloc (09022015). Collection method: clinical testing. Allele origin: germline.
Comment: This sequence change replaces arginine, which is basic and polar, with leucine, which is neutral and non-polar, at codon 227 of the LAMA1 protein (p.Arg227Leu). This variant is not present in population databases (gnomAD no frequency). This variant has not been reported in the literature in individuals affected with LAMA1-related conditions. ClinVar contains an entry for this variant (Variation ID: 1916134). An algorithm developed to predict the effect of missense changes on protein structure and function (PolyPhen-2) suggests that this variant is likely to be disruptive. In summary, the available evidence is currently insufficient to determine the role of this variant in disease. Therefore, it has been classified as a Variant of Uncertain Significance.